The following is an entry in ClinVar:

NM_201596.3(CACNB2):c.313G>C (p.Ala105Pro)

Gene: CACNB2 (calcium voltage-gated channel auxiliary subunit beta 2; plus strand). Cytogenetic location: 10p12.31.
Variant type: single nucleotide variant.
Coding change: c.313G>C on transcript NM_201596.3 (MANE Select); coding-DNA position 313, G replaced by C.
Protein change: p.Ala105Pro; replaces alanine 105 with proline.
Molecular consequence: missense variant.
Genome position (GRCh38, 1-based): chr10:18,402,023, G>C. VCF-style: chr10-18402023-G-C. GRCh37 (hg19) VCF-style: chr10-18690952-G-C.
Other names: c.169G>C, p.Ala57Pro (NM_201570.3, NM_001410882.1); c.229G>C, p.Ala77Pro (NM_201571.4, NM_201572.4, NM_001167945.2); c.151G>C, p.Ala51Pro (NM_201590.3); c.313G>C, p.Ala105Pro (NM_201593.3, NM_201597.3); c.148G>C, p.Ala50Pro (NM_000724.4, NM_001330060.2); short protein forms A105P, A57P, A77P, A50P, A51P.
Identifiers: ClinVar variation 3654032 (VCV003654032.2).

ClinVar aggregate classification (germline): Uncertain significance (1 of 4 stars; one submission).

Conditions:
Brugada syndrome 4 (BRGDA4). Identifiers: Orphanet 130, MedGen C2678477, MONDO:0012743, OMIM 611876.

Submission:

Labcorp Genetics (formerly Invitae), Labcorp
Classification: Uncertain significance for Brugada syndrome 4. Last evaluated: 2024-05-28. Review status: criteria provided, single submitter. Criteria: Invitae Variant Classification Sherloc (09022015). Collection method: clinical testing. Allele origin: germline.
Comment: This sequence change replaces alanine, which is neutral and non-polar, with proline, which is neutral and non-polar, at codon 51 of the CACNB2 protein (p.Ala51Pro). This variant is not present in population databases (gnomAD no frequency). This variant has not been reported in the literature in individuals affected with CACNB2-related conditions. Advanced modeling of protein sequence and biophysical properties (such as structural, functional, and spatial information, amino acid conservation, physicochemical variation, residue mobility, and thermodynamic stability) performed at Invitae indicates that this missense variant is not expected to disrupt CACNB2 protein function with a negative predictive value of 80%. In summary, the available evidence is currently insufficient to determine the role of this variant in disease. Therefore, it has been classified as a Variant of Uncertain Significance.